The following is an entry in ClinVar:

ClinVar aggregate classification (germline): Conflicting classifications of pathogenicity. Review status: criteria provided, conflicting classifications (1 of 4 stars). 3 submissions from 3 submitters: Uncertain significance (2); Likely benign (1). Last evaluated 2025-02-01.

Conditions:
Holoprosencephaly sequence (HPE). Also called: Holoprosencephaly. Identifiers: Orphanet 2162, MedGen C0079541, MONDO:0016296, HP:0001360.
Severe hydrocephalus. Identifiers: MedGen C3278123, HP:0006882.

Allele frequency attached by ClinVar (database versions not stated): 1000 Genomes Project 0.00040; 1000 Genomes Project 30x 0.00047; ESP Exome Variant Server 0.00062; TOPMed 0.00065; gnomAD 0.00073 and 0.00074; gnomAD exomes 0.00085; ExAC 0.00090.
gnomAD v4.1: 1,482 of 1,565,526 alleles (0.095%); highest among the groups gnomAD compares: Non-Finnish European, 0.12%; 2 homozygotes.

Submissions (3):

CeGaT Center for Human Genetics Tuebingen
Classification: Likely benign. Last evaluated: 2025-02-01. Review status: criteria provided, single submitter. Criteria: CeGaT Center For Human Genetics Tuebingen Variant Classification Criteria Version 2. Collection method: clinical testing. Allele origin: germline. Affected: yes. Observed: 3 variant alleles.
Comment: LAMA5: BP4

Labcorp Genetics (formerly Invitae), Labcorp
Classification: Uncertain significance. Last evaluated: 2022-10-03. Review status: criteria provided, single submitter. Criteria: Invitae Variant Classification Sherloc (09022015). Collection method: clinical testing. Allele origin: germline.
Comment: This sequence change replaces arginine, which is basic and polar, with cysteine, which is neutral and slightly polar, at codon 1894 of the LAMA5 protein (p.Arg1894Cys). This variant is present in population databases (rs141989486, gnomAD 0.1%), and has an allele count higher than expected for a pathogenic variant. This variant has not been reported in the literature in individuals affected with LAMA5-related conditions. ClinVar contains an entry for this variant (Variation ID: 978645). Advanced modeling of protein sequence and biophysical properties (such as structural, functional, and spatial information, amino acid conservation, physicochemical variation, residue mobility, and thermodynamic stability) has been performed at Invitae for this missense variant, however the output from this modeling did not meet the statistical confidence thresholds required to predict the impact of this variant on LAMA5 protein function. In summary, the available evidence is currently insufficient to determine the role of this variant in disease. Therefore, it has been classified as a Variant of Uncertain Significance.

Center for Reproductive Medicine, Peking University Third Hospital
Classification: Uncertain significance for Holoprosencephaly sequence; Severe hydrocephalus. Last evaluated: 2019-10-16. Review status: criteria provided, single submitter. Criteria: ACMG Guidelines, 2015. Collection method: clinical testing. Allele origin: germline. Affected: yes.

Literature cited by the submitters: PubMed 28735299 (cited by Center for Reproductive Medicine, Peking University Third Hospital); PubMed 29534211 (cited by Center for Reproductive Medicine, Peking University Third Hospital); PubMed 31680349 (cited by Center for Reproductive Medicine, Peking University Third Hospital).

NM_005560.6(LAMA5):c.5680C>T (p.Arg1894Cys)

Gene: LAMA5 (laminin subunit alpha 5; minus strand). Cytogenetic location: 20q13.33.
Variant type: single nucleotide variant.
Coding change: c.5680C>T on transcript NM_005560.6 (MANE Select); coding-DNA position 5680, C replaced by T.
Protein change: p.Arg1894Cys; replaces arginine 1894 with cysteine.
Molecular consequence: missense variant.
Genome position (GRCh38, 1-based): chr20:62,324,168, G>A on the plus strand (C>T on the coding strand, the complement: LAMA5 is on the minus strand). VCF-style: chr20-62324168-G-A. GRCh37 (hg19) VCF-style: chr20-60899224-G-A.
Other names: short protein forms R1894C.
Identifiers: ClinVar variation 978645 (VCV000978645.27), dbSNP rs141989486, ClinGen allele CA9942093.